The following is an entry in ClinVar:

NM_001134407.3(GRIN2A):c.890G>A (p.Gly297Asp)

Gene: GRIN2A (glutamate ionotropic receptor NMDA type subunit 2A; minus strand). Cytogenetic location: 16p13.2.
Variant type: single nucleotide variant.
Coding change: c.890G>A on transcript NM_001134407.3 (MANE Select); coding-DNA position 890, G replaced by A.
Protein change: p.Gly297Asp; replaces glycine 297 with aspartic acid.
Molecular consequence: missense variant.
Genome position (GRCh38, 1-based): chr16:9,938,076, C>T on the plus strand (G>A on the coding strand, the complement: GRIN2A is on the minus strand). VCF-style: chr16-9938076-C-T. GRCh37 (hg19) VCF-style: chr16-10031933-C-T.
Other names: c.890G>A, p.Gly297Asp (NM_000833.5, NM_001134408.2); short protein forms G297D.
Identifiers: ClinVar variation 587954 (VCV000587954.9), dbSNP rs775591257, ClinGen allele CA278194570.

ClinVar aggregate classification (germline): Uncertain significance. Review status: criteria provided, multiple submitters, no conflicts (2 of 4 stars). 3 submissions from 3 submitters: Uncertain significance (3). Last evaluated 2025-04-15.

Conditions:
Landau-Kleffner syndrome (FESD). Also called: EPILEPSY, FOCAL, WITH SPEECH DISORDER AND WITH OR WITHOUT MENTAL RETARDATION; APHASIA, ACQUIRED, WITH EPILEPSY. Identifiers: Orphanet 1945, Orphanet 725, Orphanet 98818, MedGen C0282512, MONDO:0009509, OMIM 245570.
Inborn genetic diseases. Identifiers: MedGen C0950123, MeSH D030342.

Allele frequency attached by ClinVar (database versions not stated): TOPMed 0.00003.
gnomAD v4.1: 2 of 1,613,948 alleles (0.00012%); highest among the groups gnomAD compares: African/African-American, 0.0013%; no homozygotes.

Submissions (3):

GeneDx
Classification: Uncertain significance. Last evaluated: 2025-04-15. Review status: criteria provided, single submitter. Criteria: GeneDx Variant Classification Process June 2021. Collection method: clinical testing. Allele origin: germline. Affected: yes.
Comment: Not observed at significant frequency in large population cohorts (gnomAD); In silico analysis supports that this missense variant has a deleterious effect on protein structure/function; Has not been previously published as pathogenic or benign to our knowledge

Labcorp Genetics (formerly Invitae), Labcorp
Classification: Uncertain significance for Landau-Kleffner syndrome. Last evaluated: 2023-07-31. Review status: criteria provided, single submitter. Criteria: Invitae Variant Classification Sherloc (09022015). Collection method: clinical testing. Allele origin: germline.
Comment: This sequence change replaces glycine, which is neutral and non-polar, with aspartic acid, which is acidic and polar, at codon 297 of the GRIN2A protein (p.Gly297Asp). In summary, the available evidence is currently insufficient to determine the role of this variant in disease. Therefore, it has been classified as a Variant of Uncertain Significance. Advanced modeling of protein sequence and biophysical properties (such as structural, functional, and spatial information, amino acid conservation, physicochemical variation, residue mobility, and thermodynamic stability) performed at Invitae indicates that this missense variant is not expected to disrupt GRIN2A protein function. ClinVar contains an entry for this variant (Variation ID: 587954). This variant has not been reported in the literature in individuals affected with GRIN2A-related conditions. This variant is not present in population databases (gnomAD no frequency).

Ambry Genetics
Classification: Uncertain significance for Inborn genetic diseases. Last evaluated: 2016-06-20. Review status: criteria provided, single submitter. Criteria: Ambry Variant Classification Scheme 2023. Collection method: clinical testing. Allele origin: germline.
Comment: The p.G297D variant (also known as c.890G>A), located in coding exon 2 of the GRIN2A gene, results from a G to A substitution at nucleotide position 890. The glycine at codon 297 is replaced by aspartic acid, an amino acid with similar properties. This variant was not reported in population based cohorts in the following databases: Database of Single Nucleotide Polymorphisms (dbSNP), NHLBI Exome Sequencing Project (ESP), and 1000 Genomes Project. In the ESP, this variant was not observed in 6497 samples (12994 alleles) with coverage at this position. This amino acid position is highly conserved in available vertebrate species. In addition, the in silico prediction for this alteration is inconclusive. Since supporting evidence is limited at this time, the clinical significance of this variant remains unclear.